The following is an entry in ClinVar:

ClinVar aggregate classification (germline): Uncertain significance (1 of 4 stars; one submission).

Submission:

GeneDx
Classification: Uncertain significance. Last evaluated: 2025-01-01. Review status: criteria provided, single submitter. Criteria: GeneDx Variant Classification Process June 2021. Collection method: clinical testing. Allele origin: germline. Affected: yes.
Comment: Not observed at significant frequency in large population cohorts (gnomAD); In silico analysis supports a deleterious effect on splicing; Has not been previously published as pathogenic or benign to our knowledge

NM_001267550.2(TTN):c.95417-3_95417-2insTATTCCATAAACTATTTTCATA

Genes: TTN (titin; minus strand), TTN-AS1 (TTN antisense RNA 1; plus strand). Cytogenetic location: 2q31.2.
Variant type: Insertion.
Coding change: c.95417-3_95417-2insTATTCCATAAACTATTTTCATA on transcript NM_001267550.2 (MANE Select); 3 bases into the intron before coding-DNA position 95417 through the canonical splice acceptor site of the intron before coding-DNA position 95417, TATTCCATAAACTATTTTCATA inserted.
Molecular consequence: intron variant.
Genome position: GRCh38 VCF-style: chr2-178545695-T-TTATGAAAATAGTTTATGGAATA. GRCh37 (hg19) VCF-style: chr2-179410422-T-TTATGAAAATAGTTTATGGAATA.
Other names: c.68222-3_68222-2insTATTCCATAAACTATTTTCATA (NM_003319.4); c.68798-3_68798-2insTATTCCATAAACTATTTTCATA (NM_133437.4); c.68597-3_68597-2insTATTCCATAAACTATTTTCATA (NM_133432.3); c.87713-3_87713-2insTATTCCATAAACTATTTTCATA (NM_133378.4); c.90494-3_90494-2insTATTCCATAAACTATTTTCATA (NM_001256850.1).
Identifiers: ClinVar variation 4055905 (VCV004055905.1).